The following is an entry in ClinVar:

NM_025114.4(CEP290):c.5914G>C (p.Asp1972His)

Gene: CEP290 (centrosomal protein 290; minus strand). Cytogenetic location: 12q21.32.
Variant type: single nucleotide variant.
Coding change: c.5914G>C on transcript NM_025114.4 (MANE Select); coding-DNA position 5914, G replaced by C.
Protein change: p.Asp1972His; replaces aspartic acid 1972 with histidine.
Molecular consequence: missense variant.
Genome position (GRCh38, 1-based): chr12:88,071,391, C>G on the plus strand (G>C on the coding strand, the complement: CEP290 is on the minus strand). VCF-style: chr12-88071391-C-G. GRCh37 (hg19) VCF-style: chr12-88465168-C-G.
Other names: short protein forms D1972H.
Identifiers: ClinVar variation 3347785 (VCV003347785.3).

ClinVar aggregate classification (germline): Uncertain significance. Review status: criteria provided, multiple submitters, no conflicts (2 of 4 stars). 3 submissions from 3 submitters: Uncertain significance (2). 1 of the submissions does not count toward it. Last evaluated 2024-06-07.

Conditions:
CEP290-related disorder. Also called: CEP290-related disorders; CEP290-related condition. Identifiers: MedGen CN239314.
Leber congenital amaurosis 10 (LCA10). Identifiers: Orphanet 65, MedGen C1857821, MONDO:0012723, OMIM 611755.
Joubert syndrome 5 (JBTS5). Identifiers: Orphanet 2318, MedGen C1857780, MONDO:0012432, OMIM 610188.
Bardet-Biedl syndrome 14 (BBS14). Identifiers: Orphanet 110, MedGen C2673874, MONDO:0014442, OMIM 615991.
Meckel syndrome, type 4 (MKS4). Also called: MECKEL-GRUBER SYNDROME, TYPE 4. Identifiers: Orphanet 564, MedGen C1970161, MONDO:0012626, OMIM 611134.
Senior-Loken syndrome 6 (SLSN6). Identifiers: Orphanet 3156, MedGen C1857779, MONDO:0012433, OMIM 610189.

gnomAD v4.1: 1 of 1,612,286 alleles (0.000062%); highest among the groups gnomAD compares: Admixed American, 0.0017%; no homozygotes.

Submissions (3):

Fulgent Genetics
Classification: Uncertain significance for Joubert syndrome 5; Senior-Loken syndrome 6; Meckel syndrome, type 4; Leber congenital amaurosis 10; Bardet-Biedl syndrome 14. Last evaluated: 2024-06-07. Review status: criteria provided, single submitter. Criteria: ACMG Guidelines, 2015. Collection method: clinical testing. Allele origin: germline.

Daryl Scott Lab, Baylor College of Medicine
Classification: Uncertain significance for CEP290-related disorder. Last evaluated: 2024-01-01. Review status: criteria provided, single submitter. Criteria: ACMG Guidelines, 2015. Collection method: clinical testing. Allele origin: unknown. Observed: 1 compound heterozygote.
Comment: PM2, PP3

PreventionGenetics, part of Exact Sciences
Classification: Uncertain significance for CEP290-related condition. Last evaluated: 2024-07-05. Review status: no assertion criteria provided. Collection method: clinical testing. Allele origin: germline. Not counted in ClinVar's aggregate classification.
Comment: The CEP290 c.5914G>C variant is predicted to result in the amino acid substitution p.Asp1972His. To our knowledge, this variant has not been reported in the literature. This variant is reported in 0.0029% of alleles in individuals of Latino descent in gnomAD. At this time, the clinical significance of this variant is uncertain due to the absence of conclusive functional and genetic evidence.